The following is an entry in ClinVar:

NM_001042492.3(NF1):c.4936A>G (p.Thr1646Ala)

Gene: NF1 (neurofibromin 1; plus strand). Cytogenetic location: 17q11.2.
Variant type: single nucleotide variant.
Coding change: c.4936A>G on transcript NM_001042492.3 (MANE Select); coding-DNA position 4936, A replaced by G.
Protein change: p.Thr1646Ala; replaces threonine 1646 with alanine.
Molecular consequence: missense variant.
Genome position (GRCh38, 1-based): chr17:31,325,920, A>G. VCF-style: chr17-31325920-A-G. GRCh37 (hg19) VCF-style: chr17-29652938-A-G.
Other names: c.4873A>G, p.Thr1625Ala (NM_000267.4); short protein forms T1646A, T1625A.
Identifiers: ClinVar variation 1743733 (VCV001743733.2), dbSNP rs2151537808, ClinGen allele CA399007146.

ClinVar aggregate classification (germline): Uncertain significance (1 of 4 stars; one submission).

Conditions:
Cardiovascular phenotype. Identifiers: MedGen CN230736.
Hereditary cancer-predisposing syndrome. Also called: Hereditary Cancer Syndrome; Neoplastic Syndromes, Hereditary; Tumor predisposition; Hereditary neoplastic syndrome. Identifiers: Orphanet 140162, MedGen C0027672, MeSH D009386, MONDO:0015356.

Submission:

Ambry Genetics
Classification: Uncertain significance for Cardiovascular phenotype; Hereditary cancer-predisposing syndrome. Last evaluated: 2022-06-22. Review status: criteria provided, single submitter. Criteria: Ambry Variant Classification Scheme 2023. Collection method: clinical testing. Allele origin: germline.
Comment: The p.T1625A variant (also known as c.4873A>G), located in coding exon 36 of the NF1 gene, results from an A to G substitution at nucleotide position 4873. The threonine at codon 1625 is replaced by alanine, an amino acid with similar properties. This amino acid position is conserved. In addition, this alteration is predicted to be deleterious by in silico analysis. Since supporting evidence is limited at this time, the clinical significance of this alteration remains unclear.